The following is an entry in ClinVar:

NM_001723.7(DST):c.4179_4180delinsTT (p.Gln1393_Leu1394delinsHisPhe)

Gene: DST (dystonin; minus strand). Cytogenetic location: 6p12.1.
Variant type: Indel.
Coding change: c.4179_4180delinsTT on transcript NM_001723.7 (MANE Plus Clinical); coding-DNA positions 4179 to 4180, GC replaced by TT.
Protein change: p.Gln1393_Leu1394delinsHisPhe.
Molecular consequence: missense variant. On other transcripts: intron variant (10).
Genome position (GRCh38, 1-based): chr6:56,619,854-56,619,855, GC replaced by AA on the plus strand (GC replaced by TT on the coding strand, the reverse complement: DST is on the minus strand). VCF-style: chr6-56619854-GC-AA. GRCh37 (hg19) VCF-style: chr6-56484652-GC-AA.
Other names: c.4830+4675_4830+4676delinsTT (NM_001144769.5); c.4929+4675_4929+4676delinsTT (NM_001374722.1, NM_001374736.1); c.4956+4675_4956+4676delinsTT (NM_001374734.1); c.4416+4675_4416+4676delinsTT (NM_001144770.2); c.4296+4675_4296+4676delinsTT (NM_001374730.1, NM_001386100.1, NM_183380.4 and 1 more transcripts); c.3318+4675_3318+4676delinsTT (NM_015548.5).
Identifiers: ClinVar variation 1431096 (VCV001431096.6), dbSNP rs2152738313, ClinGen allele CA2573141068.

ClinVar aggregate classification (germline): Uncertain significance (1 of 4 stars; one submission).

Conditions:
Hereditary sensory and autonomic neuropathy type 6. Also called: HSAN VI; Neuropathy, hereditary sensory and autonomic, type VI. Identifiers: Orphanet 314381, MedGen C3539003, MONDO:0013839, OMIM 614653.
Epidermolysis bullosa simplex 3, localized or generalized intermediate, with BP230 deficiency (EBS3). Also called: Epidermolysis bullosa simplex, autosomal recessive 2; Epidermolysis bullosa simplex due to BP230 deficiency. Identifiers: Orphanet 412181, MedGen C3809470, MONDO:0014180, OMIM 615425.

Submission:

Labcorp Genetics (formerly Invitae), Labcorp
Classification: Uncertain significance for Epidermolysis bullosa simplex 3, localized or generalized intermediate, with BP230 deficiency; Hereditary sensory and autonomic neuropathy type 6. Last evaluated: 2023-08-17. Review status: criteria provided, single submitter. Criteria: Invitae Variant Classification Sherloc (09022015). Collection method: clinical testing. Allele origin: germline.
Comment: This variant, c.4179_4180delinsTT, is a complex sequence change that results in the deletion of 2 and insertion of 2 amino acid(s) in the DST protein (p.Gln1393_Leu1394delinsHisPhe). Information on the frequency of this variant in the gnomAD database is not available, as this variant may be reported differently in the database. This variant has not been reported in the literature in individuals affected with DST-related conditions. ClinVar contains an entry for this variant (Variation ID: 1431096). Experimental studies and prediction algorithms are not available or were not evaluated, and the functional significance of this variant is currently unknown. In summary, the available evidence is currently insufficient to determine the role of this variant in disease. Therefore, it has been classified as a Variant of Uncertain Significance.